The following is an entry in ClinVar:

NM_001330260.2(SCN8A):c.5639A>C (p.Lys1880Thr)

Gene: SCN8A (sodium voltage-gated channel alpha subunit 8; plus strand). Cytogenetic location: 12q13.13.
Variant type: single nucleotide variant.
Coding change: c.5639A>C on transcript NM_001330260.2 (MANE Select); coding-DNA position 5639, A replaced by C.
Protein change: p.Lys1880Thr; replaces lysine 1880 with threonine.
Molecular consequence: missense variant.
Genome position (GRCh38, 1-based): chr12:51,807,125, A>C. VCF-style: chr12-51807125-A-C. GRCh37 (hg19) VCF-style: chr12-52200909-A-C.
Other names: c.5516A>C, p.Lys1839Thr (NM_001177984.3, NM_001369788.1); c.5639A>C, p.Lys1880Thr (NM_014191.4); short protein forms K1880T, K1839T.
Identifiers: ClinVar variation 935446 (VCV000935446.10), dbSNP rs1938725665, ClinGen allele CA384888258.

ClinVar aggregate classification (germline): Uncertain significance (1 of 4 stars; one submission).

Conditions:
Early-infantile DEE. Also called: Early infantile epileptic encephalopathy; Ohtahara syndrome; Early infantile epileptic encephalopathy with suppression bursts. Identifiers: Orphanet 1934, MedGen C0393706, MONDO:0800491.

Submission:

Labcorp Genetics (formerly Invitae), Labcorp
Classification: Uncertain significance for Early-infantile DEE. Last evaluated: 2019-05-31. Review status: criteria provided, single submitter. Criteria: Invitae Variant Classification Sherloc (09022015). Collection method: clinical testing. Allele origin: germline.
Comment: In summary, the available evidence is currently insufficient to determine the role of this variant in disease. Therefore, it has been classified as a Variant of Uncertain Significance. Algorithms developed to predict the effect of sequence changes on RNA splicing suggest that this variant may create or strengthen a splice site, but this prediction has not been confirmed by published transcriptional studies. Algorithms developed to predict the effect of missense changes on protein structure and function are either unavailable or do not agree on the potential impact of this missense change (SIFT: "Deleterious"; PolyPhen-2: "Probably Damaging"; Align-GVGD: "Class C0"). This variant has not been reported in the literature in individuals with SCN8A-related conditions. This variant is not present in population databases (ExAC no frequency). This sequence change replaces lysine with threonine at codon 1880 of the SCN8A protein (p.Lys1880Thr). The lysine residue is highly conserved and there is a moderate physicochemical difference between lysine and threonine.